The following is an entry in ClinVar:

NM_021830.5(TWNK):c.2012C>A (p.Ala671Asp)

Gene: TWNK (twinkle mtDNA helicase; plus strand). Cytogenetic location: 10q24.31.
Variant type: single nucleotide variant.
Coding change: c.2012C>A on transcript NM_021830.5 (MANE Select); coding-DNA position 2012, C replaced by A.
Protein change: p.Ala671Asp; replaces alanine 671 with aspartic acid.
Molecular consequence: missense variant. On other transcripts: 3 prime UTR variant (2), non-coding transcript variant (5).
Genome position (GRCh38, 1-based): chr10:100,993,467, C>A. VCF-style: chr10-100993467-C-A. GRCh37 (hg19) VCF-style: chr10-102753224-C-A.
Other names: c.*307C>A (NM_001163812.2, NM_001163814.2); c.650C>A, p.Ala217Asp (NM_001163813.2, NM_001368275.1); short protein forms A217D, A671D.
Identifiers: ClinVar variation 2417879 (VCV002417879.32), dbSNP rs747328996, ClinGen allele CA5653387.

ClinVar aggregate classification (germline): Uncertain significance. Review status: criteria provided, multiple submitters, no conflicts (2 of 4 stars). 3 submissions from 3 submitters: Uncertain significance (3). Last evaluated 2025-05-29.

Allele frequency attached by ClinVar (database versions not stated): gnomAD 0.00001; ExAC 0.00002; TOPMed 0.00005.

Submissions (3):

Dasa
Classification: Uncertain significance. Last evaluated: 2025-05-29. Review status: criteria provided, single submitter. Criteria: DASA Assertion Criteria. Collection method: clinical testing. Allele origin: germline.
Comment: NM_021830.5(TWNK):c.2012C>A (p.Ala671Asp) is a missense variant that results in the substitution of alanine with aspartic acid. This variant is rare in population databases. Computational prediction algorithms are consistent with a benign effect. The currently available literature and clinical evidence are not sufficient to establish a definitive association between this variant and the reported condition. Therefore, this variant is classified as a variant of uncertain significance.

Labcorp Genetics (formerly Invitae), Labcorp
Classification: Uncertain significance. Last evaluated: 2024-12-08. Review status: criteria provided, single submitter. Criteria: Invitae Variant Classification Sherloc (09022015). Collection method: clinical testing. Allele origin: germline.
Comment: This sequence change replaces alanine, which is neutral and non-polar, with aspartic acid, which is acidic and polar, at codon 671 of the TWNK protein (p.Ala671Asp). This variant is present in population databases (rs747328996, gnomAD 0.004%). This variant has not been reported in the literature in individuals affected with TWNK-related conditions. ClinVar contains an entry for this variant (Variation ID: 2417879). Invitae Evidence Modeling of protein sequence and biophysical properties (such as structural, functional, and spatial information, amino acid conservation, physicochemical variation, residue mobility, and thermodynamic stability) indicates that this missense variant is not expected to disrupt TWNK protein function with a negative predictive value of 95%. In summary, the available evidence is currently insufficient to determine the role of this variant in disease. Therefore, it has been classified as a Variant of Uncertain Significance.

CeGaT Center for Human Genetics Tuebingen
Classification: Uncertain significance. Last evaluated: 2023-09-01. Review status: criteria provided, single submitter. Criteria: CeGaT Center For Human Genetics Tuebingen Variant Classification Criteria Version 2. Collection method: clinical testing. Allele origin: germline. Affected: yes. Observed: 1 variant allele.
Comment: TWNK: PM2, BP4